The following is an entry in ClinVar:

NM_032977.4(CASP10):c.347+8C>T

Gene: CASP10 (caspase 10; plus strand). Cytogenetic location: 2q33.1.
Variant type: single nucleotide variant.
Coding change: c.347+8C>T on transcript NM_032977.4 (MANE Select); 8 bases into the intron after coding-DNA position 347, C replaced by T.
Molecular consequence: intron variant.
Genome position (GRCh38, 1-based): chr2:201,186,132, C>T. VCF-style: chr2-201186132-C-T. GRCh37 (hg19) VCF-style: chr2-202050855-C-T.
Other names: p.?; c.347+8C>T (NM_032974.5, NM_001206542.2, NM_032976.4 and 3 more transcripts).
Identifiers: ClinVar variation 333419 (VCV000333419.21), dbSNP rs140246829, ClinGen allele CA2052824.
Genomic context (GRCh38, chr2:201,186,132, plus strand): 5'-AAAGAGGAAGTGGAGCGACTGCTGCCCACCCGACAAAGGGTTTCTCTGTTTAGGTGAGGA[C>T]GGGTCTGTGGTGGAGATGGGAGGATCTCCCATCTAGTGTTCATTCTGGCCATTGGGCTTT-3'

ClinVar aggregate classification (germline): Benign/Likely benign. Review status: criteria provided, multiple submitters, no conflicts (2 of 4 stars). 5 submissions from 5 submitters: Benign (1); Likely benign (4). Last evaluated 2026-02-02.

Conditions:
Autoimmune lymphoproliferative syndrome type 2A (ALPS2A). Also called: CASP10-Related Autoimmune Lymphoproliferative Syndrome; AUTOIMMUNE LYMPHOPROLIFERATIVE SYNDROME, TYPE IIA; Autoimmune lymphoproliferative syndrome type 2. Identifiers: Orphanet 3261, MedGen C1858968, MONDO:0011383, OMIM 603909.

Allele frequency attached by ClinVar (database versions not stated): TOPMed 0.00046; 1000 Genomes Project 30x 0.00047; ESP Exome Variant Server 0.00054; gnomAD 0.00055 and 0.00056; 1000 Genomes Project 0.00060.
gnomAD v4.1: 354 of 1,603,642 alleles (0.022%); highest among the groups gnomAD compares: Middle Eastern, 0.32%; 1 homozygote.

Submissions (5):

Labcorp Genetics (formerly Invitae), Labcorp
Classification: Likely benign for Autoimmune lymphoproliferative syndrome type 2A. Last evaluated: 2026-02-02. Review status: criteria provided, single submitter. Criteria: Invitae Variant Classification Sherloc (09022015). Collection method: clinical testing. Allele origin: germline.

Mayo Clinic Laboratories, Mayo Clinic
Classification: Likely benign. Last evaluated: 2025-07-23. Review status: criteria provided, single submitter. Criteria: ACMG Guidelines, 2015. Collection method: clinical testing. Allele origin: germline. Observed: 1 variant allele.
Comment: BP4, BP7

Blueprint Genetics
Classification: Likely benign. Last evaluated: 2024-11-25. Review status: criteria provided, single submitter. Criteria: ACMG Guidelines, 2015. Collection method: clinical testing. Allele origin: germline.

Illumina Laboratory Services, Illumina
Classification: Benign for Autoimmune lymphoproliferative syndrome type 2A. Last evaluated: 2018-01-12. Review status: criteria provided, single submitter. Criteria: ICSL Variant Classification Criteria 13 December 2019. Collection method: clinical testing. Allele origin: germline.
Comment: This variant was observed in the ICSL laboratory as part of a predisposition screen in an ostensibly healthy population. It had not been previously curated by ICSL or reported in the Human Gene Mutation Database (HGMD: prior to June 1st, 2018), and was therefore a candidate for classification through an automated scoring system. Utilizing variant allele frequency, disease prevalence and penetrance estimates, and inheritance mode, an automated score was calculated to assess if this variant is too frequent to cause the disease. Based on the score and internal cut-off values, a variant classified as benign is not then subjected to further curation. The score for this variant resulted in a classification of benign for this disease.

Breakthrough Genomics
Classification: Likely benign. Review status: criteria provided, single submitter. Criteria: ACMG Guidelines, 2015. Collection method: not provided. Allele origin: germline. Inheritance: Autosomal dominant inheritance. Affected: yes.